The following is an entry in ClinVar:

NM_003049.4(SLC10A1):c.357-4C>A

Gene: SLC10A1 (solute carrier family 10 member 1; minus strand). Cytogenetic location: 14q24.1.
Variant type: single nucleotide variant.
Coding change: c.357-4C>A on transcript NM_003049.4 (MANE Select); 4 bases into the intron before coding-DNA position 357, C replaced by A.
Molecular consequence: intron variant.
Genome position (GRCh38, 1-based): chr14:69,786,311, G>T on the plus strand (C>A on the coding strand, the complement: SLC10A1 is on the minus strand). VCF-style: chr14-69786311-G-T. GRCh37 (hg19) VCF-style: chr14-70253028-G-T.
Identifiers: ClinVar variation 3353463 (VCV003353463.1).

ClinVar aggregate classification (germline): Likely benign (0 of 4 stars; one submission).

Conditions:
SLC10A1-related disorder. Also called: SLC10A1-related condition.

Submission:

PreventionGenetics, part of Exact Sciences
Classification: Likely benign for SLC10A1-related condition. Last evaluated: 2024-07-01. Review status: no assertion criteria provided. Collection method: clinical testing. Allele origin: germline.
Comment: This variant is classified as likely benign based on ACMG/AMP sequence variant interpretation guidelines (Richards et al. 2015 PMID: 25741868, with internal and published modifications).